The following is an entry in ClinVar:

NM_000355.4(TCN2):c.987C>G (p.Ile329Met)

Gene: TCN2 (transcobalamin 2; plus strand). Cytogenetic location: 22q12.2.
Variant type: single nucleotide variant.
Coding change: c.987C>G on transcript NM_000355.4 (MANE Select); coding-DNA position 987, C replaced by G.
Protein change: p.Ile329Met; replaces isoleucine 329 with methionine.
Molecular consequence: missense variant.
Genome position (GRCh38, 1-based): chr22:30,617,376, C>G. VCF-style: chr22-30617376-C-G. GRCh37 (hg19) VCF-style: chr22-31013363-C-G.
Other names: c.987C>G (NM_000355.3); c.906C>G, p.Ile302Met (NM_001184726.2); short protein forms I302M, I329M.
Identifiers: ClinVar variation 1005877 (VCV001005877.7), dbSNP rs755892011, ClinGen allele CA411215267.
Genomic context (GRCh38, chr22:30,617,376, plus strand): 5'-TCTTCCTGGCACAGTCATGTTGGAACCAGCTGCTGAGACCATTCCTCAGACCCAAGAGAT[C>G]ATCAGTGTCACGCTGCAGGTGCTTAGTCTCTTGCCGCCGTACAGACAGTCCATCTCTGTT-3'
Protein context (NP_000346.2, residues 319-339): AAETIPQTQE[Ile329Met]ISVTLQVLSL

ClinVar aggregate classification (germline): Uncertain significance. Review status: criteria provided, multiple submitters, no conflicts (2 of 4 stars). 2 submissions from 2 submitters: Uncertain significance (2). Last evaluated 2025-09-26.

Conditions:
Inborn genetic diseases. Identifiers: MedGen C0950123, MeSH D030342.
Transcobalamin II deficiency (TCN2D). Also called: Transcolabamin II deficiency; TC II DEFICIENCY; TCN2 DEFICIENCY. Identifiers: Orphanet 859, MedGen C0342701, MONDO:0010149, OMIM 275350.

Allele frequency attached by ClinVar (database versions not stated): TOPMed 0.00003.
gnomAD v4.1: 7 of 1,614,060 alleles (0.00043%); highest among the groups gnomAD compares: African/African-American, 0.0013%; no homozygotes.

Submissions (2):

Ambry Genetics
Classification: Uncertain significance for Inborn genetic diseases. Last evaluated: 2025-09-26. Review status: criteria provided, single submitter. Criteria: Ambry Variant Classification Scheme 2023. Collection method: clinical testing. Allele origin: germline.

Labcorp Genetics (formerly Invitae), Labcorp
Classification: Uncertain significance for Transcobalamin II deficiency. Last evaluated: 2021-08-27. Review status: criteria provided, single submitter. Criteria: Invitae Variant Classification Sherloc (09022015). Collection method: clinical testing. Allele origin: germline.
Comment: This sequence change replaces isoleucine with methionine at codon 329 of the TCN2 protein (p.Ile329Met). The isoleucine residue is weakly conserved and there is a small physicochemical difference between isoleucine and methionine. This variant is not present in population databases (ExAC no frequency). This variant has not been reported in the literature in individuals affected with TCN2-related conditions. Algorithms developed to predict the effect of missense changes on protein structure and function output the following: SIFT: "Tolerated"; PolyPhen-2: "Benign"; Align-GVGD: "Class C0". The methionine amino acid residue is found in multiple mammalian species, which suggests that this missense change does not adversely affect protein function. In summary, the available evidence is currently insufficient to determine the role of this variant in disease. Therefore, it has been classified as a Variant of Uncertain Significance.